The following is an entry in ClinVar:

ClinVar aggregate classification (germline): Uncertain significance. Review status: criteria provided, multiple submitters, no conflicts (2 of 4 stars). 2 submissions from 2 submitters: Uncertain significance (2). Last evaluated 2022-08-08.

Conditions:
Neuromuscular disease caused by qualitative or quantitative defects of dysferlin. Also called: Qualitative or quantitative defects of dysferlin; Dysferlinopathy. Identifiers: Orphanet 207073, MedGen C2931687, MONDO:0016145.

Allele frequency attached by ClinVar (database versions not stated): gnomAD exomes below 0.00001; TOPMed below 0.00001; gnomAD 0.00001.

Submissions (2):

Labcorp Genetics (formerly Invitae), Labcorp
Classification: Uncertain significance for Neuromuscular disease caused by qualitative or quantitative defects of dysferlin. Last evaluated: 2022-08-08. Review status: criteria provided, single submitter. Criteria: Invitae Variant Classification Sherloc (09022015). Collection method: clinical testing. Allele origin: germline.
Comment: This sequence change replaces arginine, which is basic and polar, with histidine, which is basic and polar, at codon 2042 of the DYSF protein (p.Arg2042His). This variant is not present in population databases (gnomAD no frequency). This variant has not been reported in the literature in individuals affected with DYSF-related conditions. ClinVar contains an entry for this variant (Variation ID: 846525). Advanced modeling of protein sequence and biophysical properties (such as structural, functional, and spatial information, amino acid conservation, physicochemical variation, residue mobility, and thermodynamic stability) performed at Invitae indicates that this missense variant is not expected to disrupt DYSF protein function. This variant disrupts the p.Arg2042 amino acid residue in DYSF. Other variant(s) that disrupt this residue have been determined to be pathogenic (PMID: 16100712, 17698709, 22194990, 25574751, 27666772). This suggests that this residue is clinically significant, and that variants that disrupt this residue are likely to be disease-causing. In summary, the available evidence is currently insufficient to determine the role of this variant in disease. Therefore, it has been classified as a Variant of Uncertain Significance.

GeneDx
Classification: Uncertain significance. Last evaluated: 2020-11-05. Review status: criteria provided, single submitter. Criteria: GeneDx Variant Classification Process June 2021. Collection method: clinical testing. Allele origin: germline. Affected: yes.
Comment: Not observed in large population cohorts (Lek et al., 2016); In silico analysis supports that this missense variant has a deleterious effect on protein structure/function; Has not been previously published as pathogenic or benign to our knowledge

Literature cited by the submitters: PubMed 16100712 (cited by Labcorp Genetics (formerly Invitae), Labcorp); PubMed 17698709 (cited by Labcorp Genetics (formerly Invitae), Labcorp); PubMed 22194990 (cited by Labcorp Genetics (formerly Invitae), Labcorp); PubMed 25574751 (cited by Labcorp Genetics (formerly Invitae), Labcorp); PubMed 27666772 (cited by Labcorp Genetics (formerly Invitae), Labcorp).

NM_001130987.2(DYSF):c.6242G>A (p.Arg2081His)

Gene: DYSF (dysferlin; plus strand). Cytogenetic location: 2p13.2.
Variant type: single nucleotide variant.
Coding change: c.6242G>A on transcript NM_001130987.2 (MANE Select); coding-DNA position 6242, G replaced by A.
Protein change: p.Arg2081His; replaces arginine 2081 with histidine.
Molecular consequence: missense variant.
Genome position (GRCh38, 1-based): chr2:71,682,598, G>A. VCF-style: chr2-71682598-G-A. GRCh37 (hg19) VCF-style: chr2-71909728-G-A.
Other names: c.6128G>A, p.Arg2043His (NM_001130455.2); c.6083G>A, p.Arg2028His (NM_001130976.2); c.6146G>A, p.Arg2049His (NM_001130977.2); c.6188G>A, p.Arg2063His (NM_001130978.2); c.6218G>A, p.Arg2073His (NM_001130979.2); c.6176G>A, p.Arg2059His (NM_001130980.2); c.6239G>A, p.Arg2080His (NM_001130981.2); c.6221G>A, p.Arg2074His (NM_001130982.2); and 5 more; short protein forms R2028H, R2043H, R2050H, R2060H, R2059H, R2063H, R2064H, R2080H.
Identifiers: ClinVar variation 846525 (VCV000846525.8), dbSNP rs927657254, ClinGen allele CA49776642.